The following is an entry in ClinVar:

ClinVar aggregate classification (germline): Uncertain significance. Review status: criteria provided, multiple submitters, no conflicts (2 of 4 stars). 3 submissions from 3 submitters: Uncertain significance (3). Last evaluated 2025-10-05.

Conditions:
Patterned macular dystrophy 2. Identifiers: Orphanet 99001, MedGen C1837029, MONDO:0012162, OMIM 608970.
Hereditary cancer-predisposing syndrome. Also called: Tumor predisposition; Hereditary neoplastic syndrome; Neoplastic Syndromes, Hereditary; Hereditary Cancer Syndrome. Identifiers: Orphanet 140162, MedGen C0027672, MeSH D009386, MONDO:0015356.

Allele frequency attached by ClinVar (database versions not stated): gnomAD exomes below 0.00001; gnomAD 0.00001; TOPMed 0.00001.
gnomAD v4.1: 5 of 1,613,732 alleles (0.00031%); highest among the groups gnomAD compares: African/African-American, 0.0027%; no homozygotes.

Submissions (3):

Labcorp Genetics (formerly Invitae), Labcorp
Classification: Uncertain significance. Last evaluated: 2025-10-05. Review status: criteria provided, single submitter. Criteria: Invitae Variant Classification Sherloc (09022015). Collection method: clinical testing. Allele origin: germline.
Comment: This sequence change replaces arginine, which is basic and polar, with cysteine, which is neutral and slightly polar, at codon 586 of the CTNNA1 protein (p.Arg586Cys). This variant is present in population databases (no rsID available, gnomAD 0.004%). This variant has not been reported in the literature in individuals affected with CTNNA1-related conditions. ClinVar contains an entry for this variant (Variation ID: 862048). Invitae Evidence Modeling of protein sequence and biophysical properties (such as structural, functional, and spatial information, amino acid conservation, physicochemical variation, residue mobility, and thermodynamic stability) indicates that this missense variant is not expected to disrupt CTNNA1 protein function with a negative predictive value of 80%. In summary, the available evidence is currently insufficient to determine the role of this variant in disease. Therefore, it has been classified as a Variant of Uncertain Significance.

Ambry Genetics
Classification: Uncertain significance for Hereditary cancer-predisposing syndrome. Last evaluated: 2025-06-23. Review status: criteria provided, single submitter. Criteria: Ambry Variant Classification Scheme 2023. Collection method: clinical testing. Allele origin: germline.
Comment: The p.R586C variant (also known as c.1756C>T), located in coding exon 12 of the CTNNA1 gene, results from a C to T substitution at nucleotide position 1756. The arginine at codon 586 is replaced by cysteine, an amino acid with highly dissimilar properties. This amino acid position is highly conserved in available vertebrate species. In addition, the in silico prediction for this alteration is inconclusive. Based on the available evidence, the clinical significance of this variant remains unclear.

Baylor Genetics
Classification: Uncertain significance for Patterned macular dystrophy 2. Last evaluated: 2023-06-26. Review status: criteria provided, single submitter. Criteria: ACMG Guidelines, 2015. Collection method: clinical testing. Allele origin: unknown.

NM_001903.5(CTNNA1):c.1756C>T (p.Arg586Cys)

Gene: CTNNA1 (catenin alpha 1; plus strand). Cytogenetic location: 5q31.2.
Variant type: single nucleotide variant.
Coding change: c.1756C>T on transcript NM_001903.5 (MANE Select); coding-DNA position 1756, C replaced by T.
Protein change: p.Arg586Cys; replaces arginine 586 with cysteine.
Molecular consequence: missense variant.
Genome position (GRCh38, 1-based): chr5:138,925,264, C>T. VCF-style: chr5-138925264-C-T. GRCh37 (hg19) VCF-style: chr5-138260953-C-T.
Other names: c.1756C>T, p.Arg586Cys (NM_001290307.3, NM_001323982.2, NM_001323983.1 and 2 more transcripts); c.1447C>T, p.Arg483Cys (NM_001290309.3); c.1387C>T, p.Arg463Cys (NM_001290310.3); c.646C>T, p.Arg216Cys (NM_001290312.1, NM_001323987.1, NM_001323988.1 and 17 more transcripts); c.1663C>T, p.Arg555Cys (NM_001323986.2); c.307C>T, p.Arg103Cys (NM_001324006.1, NM_001324007.1, NM_001324008.1 and 2 more transcripts); c.553C>T, p.Arg185Cys (NM_001324011.1); c.403C>T, p.Arg135Cys (NM_001324012.1, NM_001324013.1); short protein forms R483C, R135C, R216C, R586C, R555C, R103C, R185C, R463C.
Identifiers: ClinVar variation 862048 (VCV000862048.14), dbSNP rs1296205201, ClinGen allele CA361132137.